The following is an entry in ClinVar:

NM_004525.3(LRP2):c.2935C>T (p.His979Tyr)

Gene: LRP2 (LDL receptor related protein 2; minus strand). Cytogenetic location: 2q31.1.
Variant type: single nucleotide variant.
Coding change: c.2935C>T on transcript NM_004525.3 (MANE Select); coding-DNA position 2935, C replaced by T.
Protein change: p.His979Tyr; replaces histidine 979 with tyrosine.
Molecular consequence: missense variant.
Genome position (GRCh38, 1-based): chr2:169,246,960, G>A on the plus strand (C>T on the coding strand, the complement: LRP2 is on the minus strand). VCF-style: chr2-169246960-G-A. GRCh37 (hg19) VCF-style: chr2-170103470-G-A.
Other names: short protein forms H979Y.
Identifiers: ClinVar variation 2014293 (VCV002014293.1), dbSNP rs1052241641, ClinGen allele CA59919288.

ClinVar aggregate classification (germline): Uncertain significance (1 of 4 stars; one submission).

Allele frequency attached by ClinVar (database versions not stated): gnomAD exomes below 0.00001; TOPMed 0.00001.
gnomAD v4.1: 4 of 1,614,206 alleles (0.00025%); highest among the groups gnomAD compares: Non-Finnish European, 0.00034%; no homozygotes.

Submission:

Labcorp Genetics (formerly Invitae), Labcorp
Classification: Uncertain significance. Last evaluated: 2022-07-06. Review status: criteria provided, single submitter. Criteria: Invitae Variant Classification Sherloc (09022015). Collection method: clinical testing. Allele origin: germline.
Comment: This sequence change replaces histidine, which is basic and polar, with tyrosine, which is neutral and polar, at codon 979 of the LRP2 protein (p.His979Tyr). This variant is not present in population databases (gnomAD no frequency). This variant has not been reported in the literature in individuals affected with LRP2-related conditions. Advanced modeling of protein sequence and biophysical properties (such as structural, functional, and spatial information, amino acid conservation, physicochemical variation, residue mobility, and thermodynamic stability) performed at Invitae indicates that this missense variant is not expected to disrupt LRP2 protein function. In summary, the available evidence is currently insufficient to determine the role of this variant in disease. Therefore, it has been classified as a Variant of Uncertain Significance.